The following is an entry in ClinVar:

NM_181882.3(PRX):c.731C>A (p.Ala244Glu)

Gene: PRX (periaxin; minus strand). Cytogenetic location: 19q13.2.
Variant type: single nucleotide variant.
Coding change: c.731C>A on transcript NM_181882.3 (MANE Select); coding-DNA position 731, C replaced by A.
Protein change: p.Ala244Glu; replaces alanine 244 with glutamic acid.
Molecular consequence: missense variant. On other transcripts: 3 prime UTR variant (1).
Genome position (GRCh38, 1-based): chr19:40,397,621, G>T on the plus strand (C>A on the coding strand, the complement: PRX is on the minus strand). VCF-style: chr19-40397621-G-T. GRCh37 (hg19) VCF-style: chr19-40903528-G-T.
Other names: c.*936C>A (NM_020956.2); short protein forms A244E.
Identifiers: ClinVar variation 1010562 (VCV001010562.8), dbSNP rs118071705, ClinGen allele CA9444387.

ClinVar aggregate classification (germline): Uncertain significance (1 of 4 stars; one submission).

Conditions:
Charcot-Marie-Tooth disease type 4. Also called: Charcot-Marie-Tooth disease, type IV; Charcot-Marie-Tooth, Type 4. Identifiers: Orphanet 64749, MedGen C4082197, MONDO:0018995.

Allele frequency attached by ClinVar (database versions not stated): TOPMed 0.00002.
gnomAD v4.1: 30 of 1,541,074 alleles (0.0019%); highest among the groups gnomAD compares: East Asian, 0.073%; no homozygotes.

Submission:

Labcorp Genetics (formerly Invitae), Labcorp
Classification: Uncertain significance for Charcot-Marie-Tooth disease type 4. Last evaluated: 2020-08-14. Review status: criteria provided, single submitter. Criteria: Invitae Variant Classification Sherloc (09022015). Collection method: clinical testing. Allele origin: germline.
Comment: While this variant is present in population databases (rs118071705), the frequency information is unreliable, as metrics indicate poor data quality at this position in the ExAC database. This sequence change replaces alanine with glutamic acid at codon 244 of the PRX protein (p.Ala244Glu). The alanine residue is moderately conserved and there is a moderate physicochemical difference between alanine and glutamic acid. This variant has not been reported in the literature in individuals with PRX-related conditions. Algorithms developed to predict the effect of missense changes on protein structure and function are either unavailable or do not agree on the potential impact of this missense change (SIFT: "Tolerated"; PolyPhen-2: "Possibly Damaging"; Align-GVGD: "Class C0"). In summary, the available evidence is currently insufficient to determine the role of this variant in disease. Therefore, it has been classified as a Variant of Uncertain Significance.